The following is an entry in ClinVar:

NM_130849.4(SLC39A4):c.366del (p.His122fs)

Gene: SLC39A4 (solute carrier family 39 member 4; minus strand). Cytogenetic location: 8q24.3.
Variant type: Deletion.
Coding change: c.366del on transcript NM_130849.4 (MANE Select); coding-DNA position 366, one base deleted (T; older notation c.366delT).
Protein change: p.His122fs; shifts the reading frame from histidine 122.
Molecular consequence: frameshift variant. On other transcripts: intron variant (1).
Genome position (GRCh38, 1-based): chr8:144,415,918, A deleted on the plus strand (T on the coding strand, the reverse complement: SLC39A4 is on the minus strand). VCF-style (leftmost placement, unchanged base first): chr8-144415917-CA-C. GRCh37 (hg19) VCF-style: chr8-145641301-CA-C.
Other names: c.291del, p.His97fs (NM_017767.3); c.193-499del (NM_001374839.1); short protein forms H122fs, H97fs.
Identifiers: ClinVar variation 4816468 (VCV004816468.1).

ClinVar aggregate classification (germline): Likely pathogenic (1 of 4 stars; one submission).

Conditions:
Hereditary acrodermatitis enteropathica (AEZ). Also called: Acrodermatitis enteropathica. Identifiers: Orphanet 37, MedGen C0221036, MONDO:0008713, OMIM 201100.

Submission:

Natera, Inc.
Classification: Likely pathogenic for Acrodermatitis enteropathica. Last evaluated: 2025-08-01. Review status: criteria provided, single submitter. Criteria: Natera Variant Classification Schema (03/2026). Collection method: clinical testing. Allele origin: germline.
Comment: The c.366del variant in SLC39A4 is a frameshift variant predicted to shift the reading frame beginning at codon 122 and leads to a stop codon 15 codons downstream. This variant is expected to result in nonsense mediated decay, truncation, or a dysfunctional protein product. This variant is rare in the general population with a frequency below the threshold expected for the associated phenotype(s). Given the available evidence, this variant is classified as Likely Pathogenic.